The following is an entry in ClinVar:

NM_031418.4(ANO3):c.46G>T (p.Gly16Cys)

Gene: ANO3 (anoctamin 3; plus strand). Cytogenetic location: 11p14.2.
Variant type: single nucleotide variant.
Coding change: c.46G>T on transcript NM_031418.4 (MANE Select); coding-DNA position 46, G replaced by T.
Protein change: p.Gly16Cys; replaces glycine 16 with cysteine.
Molecular consequence: missense variant. On other transcripts: intron variant (1).
Genome position (GRCh38, 1-based): chr11:26,332,321, G>T. VCF-style: chr11-26332321-G-T. GRCh37 (hg19) VCF-style: chr11-26353868-G-T.
Other names: c.229+22602G>T (NM_001313726.2); short protein forms G16C.
Identifiers: ClinVar variation 2764168 (VCV002764168.3), dbSNP rs2494346251, ClinGen allele CA380065990.

ClinVar aggregate classification (germline): Uncertain significance (1 of 4 stars; one submission).

Conditions:
Dystonic disorder. Also called: Dystonia. Identifiers: MedGen C0013421, MONDO:0003441, HP:0001332.

gnomAD v4.1: 1 of 1,613,740 alleles (0.000062%); highest among the groups gnomAD compares: Non-Finnish European, 0.000085%; no homozygotes.

Submission:

Labcorp Genetics (formerly Invitae), Labcorp
Classification: Uncertain significance for Dystonic disorder. Last evaluated: 2023-10-13. Review status: criteria provided, single submitter. Criteria: Invitae Variant Classification Sherloc (09022015). Collection method: clinical testing. Allele origin: germline.
Comment: This sequence change replaces glycine, which is neutral and non-polar, with cysteine, which is neutral and slightly polar, at codon 16 of the ANO3 protein (p.Gly16Cys). This variant also falls at the last nucleotide of exon 1, which is part of the consensus splice site for this exon. This variant is not present in population databases (gnomAD no frequency). This variant has not been reported in the literature in individuals affected with ANO3-related conditions. An algorithm developed to predict the effect of missense changes on protein structure and function (PolyPhen-2) suggests that this variant is likely to be disruptive. Variants that disrupt the consensus splice site are a relatively common cause of aberrant splicing (PMID: 17576681, 9536098). Algorithms developed to predict the effect of sequence changes on RNA splicing suggest that this variant may disrupt the consensus splice site. In summary, the available evidence is currently insufficient to determine the role of this variant in disease. Therefore, it has been classified as a Variant of Uncertain Significance.

Literature cited by the submitters: PubMed 17576681; PubMed 9536098.